The following is an entry in ClinVar:

NM_001358530.2(MOCS1):c.484C>T (p.Arg162Trp)

Gene: MOCS1 (molybdenum cofactor synthesis 1; minus strand). Cytogenetic location: 6p21.2.
Variant type: single nucleotide variant.
Coding change: c.484C>T on transcript NM_001358530.2 (MANE Select); coding-DNA position 484, C replaced by T.
Protein change: p.Arg162Trp; replaces arginine 162 with tryptophan.
Molecular consequence: missense variant. On other transcripts: non-coding transcript variant (1).
Genome position (GRCh38, 1-based): chr6:39,916,167, G>A on the plus strand (C>T on the coding strand, the complement: MOCS1 is on the minus strand). VCF-style: chr6-39916167-G-A. GRCh37 (hg19) VCF-style: chr6-39883911-G-A.
Other names: c.484C>T, p.Arg162Trp (NM_001075098.4, NM_001358529.2, NM_005943.6); c.223C>T, p.Arg75Trp (NM_001358531.2, NM_001358533.2, NM_001358534.2); c.484C>T (NM_005943.5); short protein forms R162W, R75W.
Identifiers: ClinVar variation 1053695 (VCV001053695.11), dbSNP rs746138504, ClinGen allele CA3796263.

ClinVar aggregate classification (germline): Conflicting classifications of pathogenicity. Review status: criteria provided, conflicting classifications (1 of 4 stars). 6 submissions from 6 submitters: Likely pathogenic (1); Uncertain significance (5). Last evaluated 2024-11-07.

Conditions:
Sulfite oxidase deficiency due to molybdenum cofactor deficiency type A. Also called: Molybdenum cofactor deficiency, complementation group A; Molybdenum Cofactor Deficiency A. Identifiers: Orphanet 308386, Orphanet 833, MedGen C1854988, MONDO:0009643, OMIM 252150.
Inborn genetic diseases. Identifiers: MedGen C0950123, MeSH D030342.

Allele frequency attached by ClinVar (database versions not stated): ExAC 0.00001; gnomAD exomes 0.00003 and 0.00004; gnomAD 0.00006; TOPMed 0.00006.

Submissions (6):

Blueprint Genetics
Classification: Uncertain significance. Last evaluated: 2024-11-07. Review status: criteria provided, single submitter. Criteria: ACMG Guidelines, 2015. Collection method: clinical testing. Allele origin: germline.

GeneDx
Classification: Likely pathogenic. Last evaluated: 2024-08-22. Review status: criteria provided, single submitter. Criteria: GeneDx Variant Classification Process June 2021. Collection method: clinical testing. Allele origin: germline. Affected: yes.
Comment: Identified in a patient with a second MOCS1 variant with a suspected monogenic condition; however, additional clinical information was not provided (PMID: 32369273); In silico analysis supports that this missense variant has a deleterious effect on protein structure/function; Not observed at significant frequency in large population cohorts (gnomAD); This variant is associated with the following publications: (PMID: 32369273)

Ambry Genetics
Classification: Uncertain significance for Inborn genetic diseases. Last evaluated: 2024-08-01. Review status: criteria provided, single submitter. Criteria: Ambry Variant Classification Scheme 2023. Collection method: clinical testing. Allele origin: germline.

Fulgent Genetics
Classification: Uncertain significance for Sulfite oxidase deficiency due to molybdenum cofactor deficiency type A. Last evaluated: 2024-06-20. Review status: criteria provided, single submitter. Criteria: ACMG Guidelines, 2015. Collection method: clinical testing. Allele origin: germline.

Women's Health and Genetics/Laboratory Corporation of America, LabCorp
Classification: Uncertain significance. Last evaluated: 2024-04-12. Review status: criteria provided, single submitter. Criteria: LabCorp Variant Classification Summary - May 2015. Collection method: clinical testing. Allele origin: germline.
Comment: Variant summary: MOCS1 c.484C>T (p.Arg162Trp) results in a non-conservative amino acid change located in the Elp3/MiaA/NifB-like, radical SAM core domain (IPR006638) of the encoded protein sequence. Five of five in-silico tools predict a damaging effect of the variant on protein function. The variant allele was found at a frequency of 3.6e-05 in 250874 control chromosomes. The available data on variant occurrences in the general population are insufficient to allow any conclusion about variant significance. c.484C>T has been reported in the literature in one individual affected with Molybdenum cofactor deficiency (Kosaki_2020). These data do not allow any conclusion about variant significance. To our knowledge, no experimental evidence demonstrating an impact on protein function has been reported. The following publication have been ascertained in the context of this evaluation (PMID: 32369273). ClinVar contains an entry for this variant (Variation ID: 1053695). Based on the evidence outlined above, the variant was classified as uncertain significance.

Labcorp Genetics (formerly Invitae), Labcorp
Classification: Uncertain significance for Sulfite oxidase deficiency due to molybdenum cofactor deficiency type A. Last evaluated: 2022-09-28. Review status: criteria provided, single submitter. Criteria: Invitae Variant Classification Sherloc (09022015). Collection method: clinical testing. Allele origin: germline.
Comment: This sequence change replaces arginine, which is basic and polar, with tryptophan, which is neutral and slightly polar, at codon 162 of the MOCS1 protein (p.Arg162Trp). This variant is present in population databases (rs746138504, gnomAD 0.01%). This variant has not been reported in the literature in individuals affected with MOCS1-related conditions. ClinVar contains an entry for this variant (Variation ID: 1053695). Algorithms developed to predict the effect of missense changes on protein structure and function are either unavailable or do not agree on the potential impact of this missense change (SIFT: "Not Available"; PolyPhen-2: "Probably Damaging"; Align-GVGD: "Not Available"). In summary, the available evidence is currently insufficient to determine the role of this variant in disease. Therefore, it has been classified as a Variant of Uncertain Significance.

Literature cited by the submitters: PubMed 32369273 (cited by Ambry Genetics and Women's Health and Genetics/Laboratory Corporation of America, LabCorp).